The following is an entry in ClinVar:

ClinVar aggregate classification (germline): Conflicting classifications of pathogenicity. Review status: criteria provided, conflicting classifications (1 of 4 stars). 8 submissions from 7 submitters: Uncertain significance (4); Benign (1); Likely benign (2). 1 of the submissions does not count toward it. Last evaluated 2026-07-01.

Conditions:
Stickler syndrome type 2 (STL2). Also called: STICKLER SYNDROME, TYPE II; COL11A1-Related Stickler Syndrome; STICKLER SYNDROME, BEADED VITREOUS TYPE; STICKLER SYNDROME, VITREOUS TYPE 2. Identifiers: Orphanet 828, Orphanet 90654, MedGen C1858084, MONDO:0011493, OMIM 604841.
COL11A1-related disorder. Also called: COL11A1-related condition; COL11A1-related disorders.
Meniere disease. Also called: Ménière's disease. Identifiers: MedGen C0025281, MONDO:0007972, OMIM 156000.
Fibrochondrogenesis 1 (FBCG1). Identifiers: Orphanet 2021, MedGen C3278138, MONDO:0009226, OMIM 228520.

Allele frequency attached by ClinVar (database versions not stated): gnomAD 0.00019; TOPMed 0.00039; ESP Exome Variant Server 0.00054.
gnomAD v4.1: 1,111 of 1,613,118 alleles (0.069%); highest among the groups gnomAD compares: Non-Finnish European, 0.092%; 2 homozygotes.

Submissions (8):

CeGaT Center for Human Genetics Tuebingen
Classification: Likely benign. Last evaluated: 2026-07-01. Review status: criteria provided, single submitter. Criteria: CeGaT Center For Human Genetics Tuebingen Variant Classification Criteria Version 2. Collection method: clinical testing. Allele origin: germline. Affected: yes. Observed: 2 variant alleles.
Comment: COL11A1: BS2

PreventionGenetics, part of Exact Sciences
Classification: Uncertain significance for COL11A1-related condition. Last evaluated: 2026-06-19. Review status: criteria provided, single submitter. Criteria: ACMG Guidelines, 2015. Collection method: clinical testing. Allele origin: germline.
Comment: The COL11A1 c.4594C>G variant is predicted to result in the amino acid substitution p.Pro1532Ala. To our knowledge, this variant has not been reported in the literature. This variant is reported in 0.050% of alleles in individuals of European (Non-Finnish) descent in gnomAD. Although we suspect that this variant may be benign, at this time, the clinical significance of this variant is uncertain due to the absence of conclusive functional and genetic evidence.

Labcorp Genetics (formerly Invitae), Labcorp
Classification: Benign. Last evaluated: 2026-01-26. Review status: criteria provided, single submitter. Criteria: Invitae Variant Classification Sherloc (09022015). Collection method: clinical testing. Allele origin: germline.

GeneDx
Classification: Uncertain significance. Last evaluated: 2024-07-12. Review status: criteria provided, single submitter. Criteria: GeneDx Variant Classification Process June 2021. Collection method: clinical testing. Allele origin: germline. Affected: yes.
Comment: Has not been previously published as pathogenic or benign to our knowledge; In silico analysis supports that this missense variant has a deleterious effect on protein structure/function

Blueprint Genetics
Classification: Likely benign. Last evaluated: 2024-04-11. Review status: criteria provided, single submitter. Criteria: ACMG Guidelines, 2015. Collection method: clinical testing. Allele origin: germline.

Illumina Laboratory Services, Illumina
Classification: Uncertain significance for Fibrochondrogenesis 1. Last evaluated: 2018-01-13. Review status: criteria provided, single submitter. Criteria: ICSL Variant Classification Criteria 13 December 2019. Collection method: clinical testing. Allele origin: germline.

Illumina Laboratory Services, Illumina
Classification: Uncertain significance for Stickler syndrome type 2. Last evaluated: 2018-01-13. Review status: criteria provided, single submitter. Criteria: ICSL Variant Classification Criteria 13 December 2019. Collection method: clinical testing. Allele origin: germline.

Center for Computational Biology & Bioinformatics, University of California, San Diego
Classification: Uncertain significance for Meniere disease. Last evaluated: 2024-06-03. Review status: no assertion criteria provided. Collection method: research. Allele origin: germline. Affected: yes. Not counted in ClinVar's aggregate classification.

NM_001854.4(COL11A1):c.4594C>G (p.Pro1532Ala)

Gene: COL11A1 (collagen type XI alpha 1 chain; minus strand). Cytogenetic location: 1p21.1.
Variant type: single nucleotide variant.
Coding change: c.4594C>G on transcript NM_001854.4 (MANE Select); coding-DNA position 4594, C replaced by G.
Protein change: p.Pro1532Ala; replaces proline 1532 with alanine.
Molecular consequence: missense variant. On other transcripts: non-coding transcript variant (1).
Genome position (GRCh38, 1-based): chr1:102,888,591, G>C on the plus strand (C>G on the coding strand, the complement: COL11A1 is on the minus strand). VCF-style: chr1-102888591-G-C. GRCh37 (hg19) VCF-style: chr1-103354147-G-C.
Other names: c.4477C>G, p.Pro1493Ala (NM_001190709.2); c.4630C>G, p.Pro1544Ala (NM_080629.3); c.4246C>G, p.Pro1416Ala (NM_080630.4); short protein forms P1532A, P1544A, P1493A, P1416A.
Identifiers: ClinVar variation 291499 (VCV000291499.21), dbSNP rs140954784, ClinGen allele CA973471.